The following is an entry in ClinVar:

ClinVar aggregate classification (germline): Uncertain significance. Review status: criteria provided, multiple submitters, no conflicts (2 of 4 stars). 2 submissions from 2 submitters: Uncertain significance (2). Last evaluated 2025-05-13.

Conditions:
Colorectal cancer, hereditary nonpolyposis, type 7. Identifiers: Orphanet 144, MedGen C1858380, MONDO:0013725, OMIM 614385.

gnomAD v4.1: 1 of 1,613,488 alleles (0.000062%); highest among the groups gnomAD compares: Non-Finnish European, 0.000085%; no homozygotes.

Submissions (2):

Labcorp Genetics (formerly Invitae), Labcorp
Classification: Uncertain significance for Colorectal cancer, hereditary nonpolyposis, type 7. Last evaluated: 2025-05-13. Review status: criteria provided, single submitter. Criteria: Invitae Variant Classification Sherloc (09022015). Collection method: clinical testing. Allele origin: germline.
Comment: This sequence change replaces asparagine, which is neutral and polar, with serine, which is neutral and polar, at codon 1217 of the MLH3 protein (p.Asn1217Ser). This variant is not present in population databases (gnomAD no frequency). This variant has not been reported in the literature in individuals affected with MLH3-related conditions. An algorithm developed to predict the effect of missense changes on protein structure and function (PolyPhen-2) suggests that this variant is likely to be disruptive. In summary, the available evidence is currently insufficient to determine the role of this variant in disease. Therefore, it has been classified as a Variant of Uncertain Significance.

Ambry Genetics
Classification: Uncertain significance. Last evaluated: 2025-03-14. Review status: criteria provided, single submitter. Criteria: Ambry Variant Classification Scheme 2023. Collection method: clinical testing. Allele origin: germline.
Comment: The p.N1217S variant (also known as c.3650A>G), located in coding exon 6 of the MLH3 gene, results from an A to G substitution at nucleotide position 3650. The asparagine at codon 1217 is replaced by serine, an amino acid with highly similar properties. This amino acid position is conserved. In addition, this alteration is predicted to be tolerated by in silico analysis. Based on the available evidence, the clinical significance of this variant remains unclear.

NM_001040108.2(MLH3):c.3650A>G (p.Asn1217Ser)

Gene: MLH3 (mutL homolog 3; minus strand). Cytogenetic location: 14q24.3.
Variant type: single nucleotide variant.
Coding change: c.3650A>G on transcript NM_001040108.2 (MANE Select); coding-DNA position 3650, A replaced by G.
Protein change: p.Asn1217Ser; replaces asparagine 1217 with serine.
Molecular consequence: missense variant. On other transcripts: intron variant (1).
Genome position (GRCh38, 1-based): chr14:75,033,484, T>C on the plus strand (A>G on the coding strand, the complement: MLH3 is on the minus strand). VCF-style: chr14-75033484-T-C. GRCh37 (hg19) VCF-style: chr14-75500187-T-C.
Other names: c.3644-1305A>G (NM_014381.3); short protein forms N1217S.
Identifiers: ClinVar variation 3873547 (VCV003873547.2).